The following is an entry in ClinVar:

ClinVar aggregate classification (germline): Pathogenic. Review status: criteria provided, multiple submitters, no conflicts (2 of 4 stars). 4 submissions from 4 submitters: Pathogenic (4). Last evaluated 2026-09-08.

Conditions:
Fabry disease. Also called: Fabry's disease; CERAMIDE TRIHEXOSIDASE DEFICIENCY; GLA DEFICIENCY; HEREDITARY DYSTOPIC LIPIDOSIS; Angiokeratoma corporis diffusum; ALPHA-GALACTOSIDASE A DEFICIENCY. Identifiers: Orphanet 324, MedGen C0002986, MONDO:0010526, OMIM 301500, HP:0001071. Disease mechanism: Fabry disease is due to inactivating mutations in the X-linked GLA gene resulting in deficiency of the enzyme Alpha Galactosidase-A., loss of function.

Submissions (4):

Genomenon, Inc
Classification: Pathogenic for Fabry disease. Last evaluated: 2026-09-08. Review status: criteria provided, single submitter. Criteria: Genomenon Sequence Variant Interpretation Standards - Updated. Collection method: curation. Allele origin: germline. Affected: no.
Comment: GLA p.Trp245Ter (c.735G>A) is a nonsense variant that introduces a premature stop codon at amino acid position 245 and is predicted to result in a truncated or absent protein product. This variant has been reported in the published literature (PMID:32843101). Another cDNA change that causes the same protein consequence has been determined to be pathogenic or likely pathogenic. It is absent or not present at a significant frequency in gnomAD. In conclusion, we classify GLA p.Trp245Ter (c.735G>A) as a pathogenic variant.

Genome-Nilou Lab
Classification: Pathogenic for Fabry disease. Last evaluated: 2021-07-15. Review status: criteria provided, single submitter. Criteria: ACMG Guidelines, 2015. Collection method: clinical testing. Allele origin: germline. Affected: no.

Eurofins Ntd Llc (ga)
Classification: Pathogenic. Last evaluated: 2017-09-06. Review status: criteria provided, single submitter. Criteria: EGL Classification Definitions 2015. Collection method: clinical testing. Allele origin: germline. Observed: 3 variant alleles, 2 heterozygotes, 1 hemizygote.

Labcorp Genetics (formerly Invitae), Labcorp
Classification: Pathogenic for Fabry disease. Last evaluated: 2016-09-23. Review status: criteria provided, single submitter. Criteria: Invitae Variant Classification Sherloc (09022015). Collection method: clinical testing. Allele origin: germline.
Comment: In addition, a different nucleotide change c.734G>A causing the same p.Trp245* change on the protein has been reported in an individual affected with classic Fabry disease (PMID: 12428061). For these reasons, this variant has been classified as Pathogenic. This sequence change creates a premature translational stop signal at codon 245 (p.Trp245*) of the GLA gene. It is expected to result in an absent or disrupted protein product. Loss-of-function variants in GLA are known to be pathogenic. This particular variant has been reported in a family affected with Fabry disease with clinical manifestations similar to hypertrophic cardiomyopathy and segregates with the condition (PMID: 16626582).

Literature cited by the submitters: PubMed 32843101 (cited by Genomenon, Inc); PubMed 12428061 (cited by Labcorp Genetics (formerly Invitae), Labcorp); PubMed 16626582 (cited by Labcorp Genetics (formerly Invitae), Labcorp).

NM_000169.3(GLA):c.735G>A (p.Trp245Ter)

Genes: GLA (galactosidase alpha; minus strand), RPL36A-HNRNPH2 (RPL36A-HNRNPH2 readthrough; plus strand). Cytogenetic location: Xq22.1.
Variant type: single nucleotide variant.
Coding change: c.735G>A on transcript NM_000169.3 (MANE Select); coding-DNA position 735, G replaced by A.
Protein change: p.Trp245Ter; replaces tryptophan 245 with a stop codon.
Molecular consequence: nonsense. On other transcripts: non-coding transcript variant (3), intron variant (2).
Genome position (GRCh38, 1-based): chrX:101,398,851, C>T on the plus strand (G>A on the coding strand, the complement: GLA is on the minus strand). VCF-style: chrX-101398851-C-T. GRCh37 (hg19) VCF-style: chrX-100653839-C-T.
Other names: c.858G>A, p.Trp286Ter (NM_001406747.1); c.735G>A, p.Trp245Ter (NM_001406748.1); c.300+3394C>T (NM_001199973.2); c.177+7029C>T (NM_001199974.2); short protein forms W245*, W286*.
Identifiers: ClinVar variation 405508 (VCV000405508.17), dbSNP rs1060500747, ClinGen allele CA16616625.